The following is an entry in ClinVar:

ClinVar aggregate classification (germline): Uncertain significance (1 of 4 stars; one submission).

Conditions:
Pierson syndrome. Also called: MICROCORIA-CONGENITAL NEPHROTIC SYNDROME. Identifiers: Orphanet 2670, MedGen C1836876, MONDO:0012184, OMIM 609049.
LAMB2-related infantile-onset nephrotic syndrome. Also called: NEPHROTIC SYNDROME, TYPE 5, WITHOUT OCULAR ABNORMALITIES; NEPHROTIC SYNDROME, TYPE 5, WITH OCULAR ABNORMALITIES; Nephrotic Syndrome, type 5. Identifiers: Orphanet 306507, MedGen C3280113, MONDO:0013621, OMIM 614199.

Allele frequency attached by ClinVar (database versions not stated): gnomAD 0.00001; ExAC 0.00002; gnomAD exomes 0.00005.
gnomAD v4.1: 66 of 1,613,998 alleles (0.0041%); highest among the groups gnomAD compares: Non-Finnish European, 0.0055%; no homozygotes.

Submission:

Labcorp Genetics (formerly Invitae), Labcorp
Classification: Uncertain significance for LAMB2-related infantile-onset nephrotic syndrome; Pierson syndrome. Last evaluated: 2022-06-25. Review status: criteria provided, single submitter. Criteria: Invitae Variant Classification Sherloc (09022015). Collection method: clinical testing. Allele origin: germline.
Comment: In summary, the available evidence is currently insufficient to determine the role of this variant in disease. Therefore, it has been classified as a Variant of Uncertain Significance. Algorithms developed to predict the effect of missense changes on protein structure and function (SIFT, PolyPhen-2, Align-GVGD) all suggest that this variant is likely to be disruptive. This variant has not been reported in the literature in individuals affected with LAMB2-related conditions. This variant is present in population databases (rs758381807, gnomAD 0.004%). This sequence change replaces glycine, which is neutral and non-polar, with glutamic acid, which is acidic and polar, at codon 810 of the LAMB2 protein (p.Gly810Glu).

NM_002292.4(LAMB2):c.2429G>A (p.Gly810Glu)

Gene: LAMB2 (laminin subunit beta 2; minus strand). Cytogenetic location: 3p21.31.
Variant type: single nucleotide variant.
Coding change: c.2429G>A on transcript NM_002292.4 (MANE Select); coding-DNA position 2429, G replaced by A.
Protein change: p.Gly810Glu; replaces glycine 810 with glutamic acid.
Molecular consequence: missense variant.
Genome position (GRCh38, 1-based): chr3:49,125,806, C>T on the plus strand (G>A on the coding strand, the complement: LAMB2 is on the minus strand). VCF-style: chr3-49125806-C-T. GRCh37 (hg19) VCF-style: chr3-49163239-C-T.
Other names: short protein forms G810E.
Identifiers: ClinVar variation 2064197 (VCV002064197.2), dbSNP rs758381807, ClinGen allele CA2394304.